The following is an entry in ClinVar:

ClinVar aggregate classification (germline): Likely pathogenic. Review status: criteria provided, multiple submitters, no conflicts (2 of 4 stars). 3 submissions from 3 submitters: Likely pathogenic (3). Last evaluated 2025-09-04.

Conditions:
Cystic fibrosis (CF). Also called: MUCOVISCIDOSIS. Identifiers: Orphanet 586, MedGen C0010674, MONDO:0009061, OMIM 219700. Disease mechanism: loss of function.
Bronchiectasis with or without elevated sweat chloride 1 (BESC1). Also called: Cystic Fibrosis-Like Syndrome. Identifiers: Orphanet 60033, MedGen C2749757, MONDO:0008887, OMIM 211400.

Submissions (3):

Women's Health and Genetics/Laboratory Corporation of America, LabCorp
Classification: Likely pathogenic for Cystic fibrosis. Last evaluated: 2025-09-04. Review status: criteria provided, single submitter. Criteria: LabCorp Variant Classification Summary - May 2015. Collection method: clinical testing. Allele origin: germline.
Comment: Variant summary: CFTR c.434T>A (p.Leu145His) results in a non-conservative amino acid change in the encoded protein sequence. Algorithms developed to predict the effect of missense changes on protein structure and function all suggest that this variant is likely to be disruptive. The variant was absent in 250566 control chromosomes. c.434T>A has been observed in individual(s) affected with Cystic Fibrosis. These data indicate that the variant may be associated with disease. At least one publication reports experimental evidence evaluating an impact on protein function. The most pronounced variant effect results in <10% of normal activity. The following publications have been ascertained in the context of this evaluation (PMID: 30046002, 34782259). ClinVar contains an entry for this variant (Variation ID: 2680711). Based on the evidence outlined above, the variant was classified as likely pathogenic.

Ambry Genetics
Classification: Likely pathogenic for Cystic fibrosis. Last evaluated: 2024-10-25. Review status: criteria provided, single submitter. Criteria: Ambry Variant Classification Scheme 2023. Collection method: clinical testing. Allele origin: germline.
Comment: The p.L145H variant (also known as c.434T>A), located in coding exon 4 of the CFTR gene, results from a T to A substitution at nucleotide position 434. The leucine at codon 145 is replaced by histidine, an amino acid with similar properties. In vitro assays using a chamber assay showed that the residual function of E474K was significantly diminished when expressed in CFBE cells (Han ST et al. JCI Insight, 2018 Jul;3:). This amino acid position is highly conserved in available vertebrate species. In addition, this alteration is predicted to be deleterious by in silico analysis. This variant is considered to be rare based on population cohorts in the Genome Aggregation Database (gnomAD). Based on the majority of available evidence to date, this variant is likely to be pathogenic.

Baylor Genetics
Classification: Likely pathogenic for Bronchiectasis with or without elevated sweat chloride 1. Last evaluated: 2023-03-08. Review status: criteria provided, single submitter. Criteria: ACMG Guidelines, 2015. Collection method: clinical testing. Allele origin: unknown.

Literature cited by the submitters: PubMed 30046002 (cited by Women's Health and Genetics/Laboratory Corporation of America, LabCorp and Ambry Genetics); PubMed 34782259 (cited by Women's Health and Genetics/Laboratory Corporation of America, LabCorp).

NM_000492.4(CFTR):c.434T>A (p.Leu145His)

Gene: CFTR (CF transmembrane conductance regulator; plus strand). Cytogenetic location: 7q31.2.
Variant type: single nucleotide variant.
Coding change: c.434T>A on transcript NM_000492.4 (MANE Select); coding-DNA position 434, T replaced by A.
Protein change: p.Leu145His; replaces leucine 145 with histidine.
Molecular consequence: missense variant.
Genome position (GRCh38, 1-based): chr7:117,531,059, T>A. VCF-style: chr7-117531059-T-A. GRCh37 (hg19) VCF-style: chr7-117171113-T-A.
Other names: short protein forms L145H.
Identifiers: ClinVar variation 2680711 (VCV002680711.3), dbSNP rs397508712, ClinGen allele CA327481.